The following is an entry in ClinVar:

ClinVar aggregate classification (germline): Uncertain significance. Review status: criteria provided, multiple submitters, no conflicts (2 of 4 stars). 2 submissions from 2 submitters: Uncertain significance (2). Last evaluated 2025-06-30.

Conditions:
Familial Mediterranean fever (FMF). Also called: POLYSEROSITIS, FAMILIAL PAROXYSMAL; POLYSEROSITIS, RECURRENT; Periodic peritonitis; Benign paroxysmal peritonitis. Identifiers: Orphanet 342, MedGen C0031069, MONDO:0018088, OMIM 249100. Disease mechanism: gain of function.
Inborn genetic diseases. Identifiers: MedGen C0950123, MeSH D030342.

gnomAD v4.1: 1 of 1,609,830 alleles (0.000062%); no homozygotes.

Submissions (2):

Ambry Genetics
Classification: Uncertain significance for Inborn genetic diseases. Last evaluated: 2025-06-30. Review status: criteria provided, single submitter. Criteria: Ambry Variant Classification Scheme 2023. Collection method: clinical testing. Allele origin: germline.

Labcorp Genetics (formerly Invitae), Labcorp
Classification: Uncertain significance for Familial Mediterranean fever. Last evaluated: 2024-04-07. Review status: criteria provided, single submitter. Criteria: Invitae Variant Classification Sherloc (09022015). Collection method: clinical testing. Allele origin: germline.
Comment: This sequence change replaces isoleucine, which is neutral and non-polar, with leucine, which is neutral and non-polar, at codon 601 of the MEFV protein (p.Ile601Leu). This variant is not present in population databases (gnomAD no frequency). This variant has not been reported in the literature in individuals affected with MEFV-related conditions. Algorithms developed to predict the effect of missense changes on protein structure and function output the following: SIFT: "Not Available"; PolyPhen-2: "Benign"; Align-GVGD: "Not Available". The leucine amino acid residue is found in multiple mammalian species, which suggests that this missense change does not adversely affect protein function. In summary, the available evidence is currently insufficient to determine the role of this variant in disease. Therefore, it has been classified as a Variant of Uncertain Significance.

NM_000243.3(MEFV):c.1801A>C (p.Ile601Leu)

Genes: MEFV (MEFV innate immunity regulator, pyrin; minus strand), LOC126862264 (CDK7 strongly-dependent group 2 enhancer GRCh37_chr16:3293322-3294521; plus strand). Cytogenetic location: 16p13.3.
Variant type: single nucleotide variant.
Coding change: c.1801A>C on transcript NM_000243.3 (MANE Select); coding-DNA position 1801, A replaced by C.
Protein change: p.Ile601Leu; replaces isoleucine 601 with leucine.
Molecular consequence: missense variant. On other transcripts: 3 prime UTR variant (1).
Genome position (GRCh38, 1-based): chr16:3,243,686, T>G on the plus strand (A>C on the coding strand, the complement: MEFV is on the minus strand). VCF-style: chr16-3243686-T-G. GRCh37 (hg19) VCF-style: chr16-3293686-T-G.
Other names: c.*5A>C (NM_001198536.2); short protein forms I601L.
Identifiers: ClinVar variation 3698915 (VCV003698915.3).
Genomic context (GRCh38, chr16:3,243,686, plus strand): 5'-TAACACTCTTCAGATCATCAGAGAAGATGAGGTTGGGGTAAGCGGTTTCTGCATCCAGAA[T>G]CACATTAACTGCAAAGAAAATTTGAATACCTAGGTAGGGGTCCATGGGCAACATCCCTAC-3'
Protein context (NP_000234.1, residues 591-611): IGAQAHAVNV[Ile601Leu]LDAETAYPNL